The following is an entry in ClinVar:

ClinVar aggregate classification (germline): Uncertain significance (1 of 4 stars; one submission).

gnomAD v4.1: 1 of 1,614,066 alleles (0.000062%); no homozygotes.

Submission:

Labcorp Genetics (formerly Invitae), Labcorp
Classification: Uncertain significance. Last evaluated: 2023-08-17. Review status: criteria provided, single submitter. Criteria: Invitae Variant Classification Sherloc (09022015). Collection method: clinical testing. Allele origin: germline.
Comment: In summary, the available evidence is currently insufficient to determine the role of this variant in disease. Therefore, it has been classified as a Variant of Uncertain Significance. Advanced modeling of protein sequence and biophysical properties (such as structural, functional, and spatial information, amino acid conservation, physicochemical variation, residue mobility, and thermodynamic stability) has been performed at Invitae for this missense variant, however the output from this modeling did not meet the statistical confidence thresholds required to predict the impact of this variant on FAT2 protein function. This variant has not been reported in the literature in individuals affected with FAT2-related conditions. This variant is not present in population databases (gnomAD no frequency). This sequence change replaces lysine, which is basic and polar, with threonine, which is neutral and polar, at codon 2572 of the FAT2 protein (p.Lys2572Thr).

NM_001447.3(FAT2):c.7715A>C (p.Lys2572Thr)

Genes: FAT2 (FAT atypical cadherin 2; minus strand), SLC36A1 (solute carrier family 36 member 1; plus strand). Cytogenetic location: 5q33.1.
Variant type: single nucleotide variant.
Coding change: c.7715A>C on transcript NM_001447.3 (MANE Select); coding-DNA position 7715, A replaced by C.
Protein change: p.Lys2572Thr; replaces lysine 2572 with threonine.
Molecular consequence: missense variant.
Genome position (GRCh38, 1-based): chr5:151,543,412, T>G on the plus strand (A>C on the coding strand, the complement: FAT2 is on the minus strand). VCF-style: chr5-151543412-T-G. GRCh37 (hg19) VCF-style: chr5-150922973-T-G.
Other names: short protein forms K2572T.
Identifiers: ClinVar variation 2897107 (VCV002897107.3), dbSNP rs889742466, ClinGen allele CA129958565.